The following is an entry in ClinVar:

ClinVar aggregate classification (germline): Uncertain significance (1 of 4 stars; one submission).

gnomAD v4.1: 12 of 1,553,252 alleles (0.00077%); highest among the groups gnomAD compares: African/African-American, 0.0085%; no homozygotes.

Submission:

Labcorp Genetics (formerly Invitae), Labcorp
Classification: Uncertain significance. Last evaluated: 2023-11-14. Review status: criteria provided, single submitter. Criteria: Invitae Variant Classification Sherloc (09022015). Collection method: clinical testing. Allele origin: germline.
Comment: This sequence change replaces arginine, which is basic and polar, with histidine, which is basic and polar, at codon 478 of the FSCN2 protein (p.Arg478His). This variant is present in population databases (no rsID available, gnomAD 0.007%). This variant has not been reported in the literature in individuals affected with FSCN2-related conditions. An algorithm developed to predict the effect of missense changes on protein structure and function (PolyPhen-2) suggests that this variant is likely to be disruptive. In summary, the available evidence is currently insufficient to determine the role of this variant in disease. Therefore, it has been classified as a Variant of Uncertain Significance.

NM_012418.4(FSCN2):c.1361G>A (p.Arg454His)

Gene: FSCN2 (fascin actin-bundling protein 2, retinal; plus strand). Cytogenetic location: 17q25.3.
Variant type: single nucleotide variant.
Coding change: c.1361G>A on transcript NM_012418.4 (MANE Select); coding-DNA position 1361, G replaced by A.
Protein change: p.Arg454His; replaces arginine 454 with histidine.
Molecular consequence: missense variant.
Genome position (GRCh38, 1-based): chr17:81,536,962, G>A. VCF-style: chr17-81536962-G-A. GRCh37 (hg19) VCF-style: chr17-79503988-G-A.
Other names: c.1433G>A, p.Arg478His (NM_001077182.3); short protein forms R478H, R454H.
Identifiers: ClinVar variation 2967121 (VCV002967121.3), dbSNP rs1053713980, ClinGen allele CA295085821.